The following is an entry in ClinVar:

ClinVar aggregate classification (germline): Uncertain significance. Review status: criteria provided, multiple submitters, no conflicts (2 of 4 stars). 2 submissions from 2 submitters: Uncertain significance (2). Last evaluated 2026-04-05.

Conditions:
Hereditary cancer-predisposing syndrome. Also called: Hereditary Cancer Syndrome; Tumor predisposition; Neoplastic Syndromes, Hereditary; Hereditary neoplastic syndrome. Identifiers: Orphanet 140162, MedGen C0027672, MeSH D009386, MONDO:0015356.

Submissions (2):

Dasa
Classification: Uncertain significance. Last evaluated: 2026-04-05. Review status: criteria provided, single submitter. Criteria: DASA Assertion Criteria. Collection method: clinical testing. Allele origin: germline.
Comment: NM_005732.4(RAD50):c.2609T>G (p.Leu870Arg) is a missense variant that results in the substitution of leucine with arginine. Multiple computational predictions suggest no deleterious effect on the gene or gene product. The variant is present at low frequency in population datasets. Based on the available data, this variant is classified as variant of uncertain significance.

Labcorp Genetics (formerly Invitae), Labcorp
Classification: Uncertain significance for Hereditary cancer-predisposing syndrome. Last evaluated: 2021-08-26. Review status: criteria provided, single submitter. Criteria: Invitae Variant Classification Sherloc (09022015). Collection method: clinical testing. Allele origin: germline.
Comment: In summary, the available evidence is currently insufficient to determine the role of this variant in disease. Therefore, it has been classified as a Variant of Uncertain Significance. Algorithms developed to predict the effect of missense changes on protein structure and function (SIFT, PolyPhen-2, Align-GVGD) all suggest that this variant is likely to be tolerated, but these predictions have not been confirmed by published functional studies and their clinical significance is uncertain. This variant has not been reported in the literature in individuals with RAD50-related conditions. This variant is not present in population databases (ExAC no frequency). This sequence change replaces leucine with arginine at codon 870 of the RAD50 protein (p.Leu870Arg). The leucine residue is moderately conserved and there is a moderate physicochemical difference between leucine and arginine.

NM_005732.4(RAD50):c.2609T>G (p.Leu870Arg)

Gene: RAD50 (RAD50 double strand break repair protein; plus strand). Cytogenetic location: 5q31.1.
Variant type: single nucleotide variant.
Coding change: c.2609T>G on transcript NM_005732.4 (MANE Select); coding-DNA position 2609, T replaced by G.
Protein change: p.Leu870Arg; replaces leucine 870 with arginine.
Molecular consequence: missense variant.
Genome position (GRCh38, 1-based): chr5:132,604,890, T>G. VCF-style: chr5-132604890-T-G. GRCh37 (hg19) VCF-style: chr5-131940582-T-G.
Other names: short protein forms L870R.
Identifiers: ClinVar variation 950500 (VCV000950500.11), dbSNP rs1010092674, ClinGen allele CA127258690.